The following is an entry in ClinVar:

ClinVar aggregate classification (germline): Uncertain significance (1 of 4 stars; one submission).

gnomAD v4.1: 1 of 1,612,956 alleles (0.000062%); no homozygotes.

Submission:

GeneDx
Classification: Uncertain significance. Last evaluated: 2022-07-07. Review status: criteria provided, single submitter. Criteria: GeneDx Variant Classification Process June 2021. Collection method: clinical testing. Allele origin: germline. Affected: yes.
Comment: Not observed at significant frequency in large population cohorts (gnomAD); Normal stop codon changed to a Gly codon, leading to the addition of 16 amino acids at the C-terminus; Has not been previously published as pathogenic or benign to our knowledge

NM_031443.4(CCM2):c.1333T>G (p.Ter445Gly)

Gene: CCM2 (CCM2 scaffold protein; plus strand). Cytogenetic location: 7p13.
Variant type: single nucleotide variant.
Coding change: c.1333T>G on transcript NM_031443.4 (MANE Select); coding-DNA position 1333, T replaced by G.
Protein change: p.Ter445Gly.
Molecular consequence: stop lost. On other transcripts: non-coding transcript variant (1).
Genome position (GRCh38, 1-based): chr7:45,076,055, T>G. VCF-style: chr7-45076055-T-G. GRCh37 (hg19) VCF-style: chr7-45115654-T-G.
Other names: c.1396T>G, p.Ter466Gly (NM_001029835.2); c.1159T>G, p.Ter387Gly (NM_001167934.2); c.1060T>G, p.Ter354Gly (NM_001167935.2); c.1456T>G, p.Ter486Gly (NM_001363458.2); c.1282T>G, p.Ter428Gly (NM_001363459.2).
Identifiers: ClinVar variation 1810714 (VCV001810714.1), dbSNP rs1471483297, ClinGen allele CA367432103.